The following is an entry in ClinVar:

NC_000016.9:g.(?_89828347)_(89874785_?)del

Gene: FANCA (FA complementation group A; minus strand). Cytogenetic location: 16q24.3.
Variant type: Deletion.
Identifiers: ClinVar variation 2422416 (VCV002422416.2).

ClinVar aggregate classification (germline): Pathogenic (1 of 4 stars; one submission).

Conditions:
Fanconi anemia (FA). Also called: Fanconi's anemia. Identifiers: Orphanet 84, MedGen C0015625, MeSH D005199, MONDO:0019391.

Submission:

Labcorp Genetics (formerly Invitae), Labcorp
Classification: Pathogenic for Fanconi anemia. Last evaluated: 2021-11-29. Review status: criteria provided, single submitter. Criteria: Invitae Variant Classification Sherloc (09022015). Collection method: clinical testing. Allele origin: germline.
Comment: For these reasons, this variant has been classified as Pathogenic. This variant has not been reported in the literature in individuals affected with FANCA-related conditions. This variant is a gross deletion of the genomic region encompassing exon(s) 6-29 of the FANCA gene. This deletion is out-of-frame, and is expected to create a premature termination codon and result in an absent or disrupted protein product. Loss-of-function variants in FANCA are known to be pathogenic (PMID: 19367192).

Literature cited by the submitters: PubMed 19367192.